The following is an entry in ClinVar:

NM_002474.3(MYH11):c.2914G>C (p.Glu972Gln)

Gene: MYH11 (myosin heavy chain 11; minus strand). Cytogenetic location: 16p13.11.
Variant type: single nucleotide variant.
Coding change: c.2914G>C on transcript NM_002474.3 (MANE Select); coding-DNA position 2914, G replaced by C.
Protein change: p.Glu972Gln; replaces glutamic acid 972 with glutamine.
Molecular consequence: missense variant.
Genome position (GRCh38, 1-based): chr16:15,740,134, C>G on the plus strand (G>C on the coding strand, the complement: MYH11 is on the minus strand). VCF-style: chr16-15740134-C-G. GRCh37 (hg19) VCF-style: chr16-15833991-C-G.
Other names: c.2935G>C, p.Glu979Gln (NM_001040113.2, NM_001040114.2); c.2914G>C, p.Glu972Gln (NM_022844.3); short protein forms E972Q, E979Q.
Identifiers: ClinVar variation 1315758 (VCV001315758.5), dbSNP rs2151248140, ClinGen allele CA394864754.

ClinVar aggregate classification (germline): Uncertain significance. Review status: criteria provided, multiple submitters, no conflicts (2 of 4 stars). 3 submissions from 3 submitters: Uncertain significance (3). Last evaluated 2023-03-01.

Conditions:
Aortic aneurysm, familial thoracic 4 (AAT4). Also called: AORTIC ANEURYSM/AORTIC DISSECTION AND PATENT DUCTUS ARTERIOSUS. Identifiers: MedGen C1851504, MONDO:0007568, OMIM 132900.
Visceral myopathy 2. Identifiers: MedGen C5543466, MONDO:0859157, OMIM 619350.
Megacystis-microcolon-intestinal hypoperistalsis syndrome 2. Identifiers: MedGen C5543476, MONDO:0025708, OMIM 619351.
Familial thoracic aortic aneurysm and aortic dissection (TAAD). Also called: Thoracic aortic aneurysms and dissections. Identifiers: Orphanet 91387, MedGen C4707243, MONDO:0019625.

Submissions (3):

Ambry Genetics
Classification: Uncertain significance for Familial thoracic aortic aneurysm and aortic dissection. Last evaluated: 2023-03-01. Review status: criteria provided, single submitter. Criteria: Ambry Variant Classification Scheme 2023. Collection method: clinical testing. Allele origin: germline.

Fulgent Genetics
Classification: Uncertain significance for Aortic aneurysm, familial thoracic 4; Visceral myopathy 2; Megacystis-microcolon-intestinal hypoperistalsis syndrome 2. Last evaluated: 2022-05-17. Review status: criteria provided, single submitter. Criteria: ACMG Guidelines, 2015. Collection method: clinical testing. Allele origin: unknown.

GeneDx
Classification: Uncertain significance. Last evaluated: 2019-07-03. Review status: criteria provided, single submitter. Criteria: GeneDx Variant Classification Process June 2021. Collection method: clinical testing. Allele origin: germline. Affected: yes.
Comment: Not observed in large population cohorts (Lek et al., 2016); In silico analysis, which includes protein predictors and evolutionary conservation, supports a deleterious effect; Has not been previously published as pathogenic or benign to our knowledge